The following is an entry in ClinVar:

NM_005157.6(ABL1):c.2853G>A (p.Pro951=)

Gene: ABL1 (ABL proto-oncogene 1, non-receptor tyrosine kinase; plus strand). Cytogenetic location: 9q34.12.
Variant type: single nucleotide variant.
Coding change: c.2853G>A on transcript NM_005157.6 (MANE Select); coding-DNA position 2853, G replaced by A.
Protein change: p.Pro951=; no amino-acid change (proline 951 retained).
Molecular consequence: synonymous variant.
Genome position (GRCh38, 1-based): chr9:130,885,143, G>A. VCF-style: chr9-130885143-G-A. GRCh37 (hg19) VCF-style: chr9-133760530-G-A.
Other names: c.2910G>A, p.Pro970= (NM_007313.3).
Identifiers: ClinVar variation 746026 (VCV000746026.18), dbSNP rs147254521, ClinGen allele CA5285792.

ClinVar aggregate classification (germline): Likely benign. Review status: criteria provided, multiple submitters, no conflicts (2 of 4 stars). 3 submissions from 3 submitters: Likely benign (3). Last evaluated 2025-11-10.

Allele frequency attached by ClinVar (database versions not stated): ExAC 0.00003; gnomAD exomes 0.00006; TOPMed 0.00006; gnomAD 0.00008; ESP Exome Variant Server 0.00015; 1000 Genomes Project 30x 0.00016; 1000 Genomes Project 0.00020.
gnomAD v4.1: 145 of 1,612,978 alleles (0.009%); highest among the groups gnomAD compares: Middle Eastern, 0.017%; no homozygotes.

Submissions (3):

Labcorp Genetics (formerly Invitae), Labcorp
Classification: Likely benign. Last evaluated: 2025-11-10. Review status: criteria provided, single submitter. Criteria: Invitae Variant Classification Sherloc (09022015). Collection method: clinical testing. Allele origin: germline.

CeGaT Center for Human Genetics Tuebingen
Classification: Likely benign. Last evaluated: 2025-03-01. Review status: criteria provided, single submitter. Criteria: CeGaT Center For Human Genetics Tuebingen Variant Classification Criteria Version 2. Collection method: clinical testing. Allele origin: germline. Affected: yes. Observed: 1 variant allele.
Comment: ABL1: BP4, BP7

Blueprint Genetics
Classification: Likely benign. Last evaluated: 2024-09-16. Review status: criteria provided, single submitter. Criteria: ACMG Guidelines, 2015. Collection method: clinical testing. Allele origin: germline.